The following is an entry in ClinVar:

NM_006180.6(NTRK2):c.5C>T (p.Ser2Leu)

Gene: NTRK2 (neurotrophic receptor tyrosine kinase 2; plus strand). Cytogenetic location: 9q21.33.
Variant type: single nucleotide variant.
Coding change: c.5C>T on transcript NM_006180.6 (MANE Select); coding-DNA position 5, C replaced by T.
Protein change: p.Ser2Leu; replaces serine 2 with leucine.
Molecular consequence: missense variant.
Genome position (GRCh38, 1-based): chr9:84,670,753, C>T. VCF-style: chr9-84670753-C-T. GRCh37 (hg19) VCF-style: chr9-87285668-C-T.
Other names: c.5C>T, p.Ser2Leu (NM_001007097.3, NM_001369549.1, NM_001018064.3 and 18 more transcripts); short protein forms S2L.
Identifiers: ClinVar variation 4539909 (VCV004539909.1).

ClinVar aggregate classification (germline): Uncertain significance (1 of 4 stars; one submission).

gnomAD v4.1: 1 of 1,612,716 alleles (0.000062%); highest among the groups gnomAD compares: East Asian, 0.0022%; no homozygotes.

Submission:

GeneDx
Classification: Uncertain significance. Last evaluated: 2025-06-27. Review status: criteria provided, single submitter. Criteria: GeneDx Variant Classification Process June 2021. Collection method: clinical testing. Allele origin: germline. Affected: yes.
Comment: In silico analysis suggests that this missense variant does not alter protein structure/function; Has not been previously published as pathogenic or benign in association with an NTRK2-related disorder to our knowledge; This variant is associated with the following publications: (PMID: 38134118)